The following is an entry in ClinVar:

NM_003722.5(TP63):c.1460G>A (p.Arg487His)

Gene: TP63 (tumor protein p63; plus strand). Cytogenetic location: 3q28.
Variant type: single nucleotide variant.
Coding change: c.1460G>A on transcript NM_003722.5 (MANE Select); coding-DNA position 1460, G replaced by A.
Protein change: p.Arg487His; replaces arginine 487 with histidine.
Molecular consequence: missense variant.
Genome position (GRCh38, 1-based): chr3:189,886,504, G>A. VCF-style: chr3-189886504-G-A. GRCh37 (hg19) VCF-style: chr3-189604293-G-A.
Other names: c.1460G>A, p.Arg487His (NM_001114978.2, NM_001329144.2); c.1178G>A, p.Arg393His (NM_001114980.2, NM_001114981.2, NM_001329145.2); c.923G>A, p.Arg308His (NM_001329146.2); c.1448G>A, p.Arg483His (NM_001329148.2); c.1166G>A, p.Arg389His (NM_001329149.2); c.911G>A, p.Arg304His (NM_001329150.2); c.1454G>A, p.Arg485His (NM_001329964.2); short protein forms R304H, R308H, R389H, R393H, R483H, R485H, R487H.
Identifiers: ClinVar variation 1802242 (VCV001802242.3), dbSNP rs781366519, ClinGen allele CA2752485.
Genomic context (GRCh38, chr3:189,886,504, plus strand): 5'-ACAAAATGAACAGCATGAACAAGCTGCCTTCTGTGAGCCAGCTTATCAACCCTCAGCAGC[G>A]CAACGCCCTCACTCCTACAACCATTCCTGATGGCATGGGAGCCAACAGTAAGAGCATCTC-3'
Protein context (NP_003713.3, residues 477-497): SVSQLINPQQ[Arg487His]NALTPTTIPD

ClinVar aggregate classification (germline): Uncertain significance (1 of 4 stars; one submission).

Conditions:
Skeletal dysplasia. Also called: Primary bone dysplasia. Identifiers: Orphanet 364526, MedGen C0410528, MONDO:0018230, HP:0002652.

Allele frequency attached by ClinVar (database versions not stated): TOPMed below 0.00001; gnomAD 0.00001.
gnomAD v4.1: 25 of 1,613,890 alleles (0.0015%); highest among the groups gnomAD compares: South Asian, 0.023%; no homozygotes.

Submission:

Diagnostics Services (NGS), CSIR - Centre For Cellular And Molecular Biology
Classification: Uncertain significance for Skeletal dysplasia. Last evaluated: 2022-08-30. Review status: criteria provided, single submitter. Criteria: ACMG Guidelines, 2015. Collection method: clinical testing. Allele origin: unknown. Affected: yes. Observed: 1 variant allele, 1 heterozygote.
Comment: The c.1460G>A variant is not present in publicly available population databases like 1000 Genomes, EVS, Indian Exome Database or our in-house exome database. The variant is present in ExAC and gnomAD at a low frequency. The variant has not been published in literature nor reported to clinical databases like ClinVar, HGMD or OMIM, in affected individuals. In-silico pathogenicity prediction programs like Polyphen-2, MutationTaster2, CADD etc. predicted this variant to be likely deleterious, however these predictions were not confirmed by any published functional studies.